The following is an entry in ClinVar:

ClinVar aggregate classification (germline): Pathogenic/Likely pathogenic. Review status: criteria provided, multiple submitters, no conflicts (2 of 4 stars). 2 submissions from 2 submitters: Pathogenic (1); Likely pathogenic (1). Last evaluated 2025-08-18.

Conditions:
Hereditary factor VIII deficiency disease (HEMA). Also called: HEMOPHILIA, CLASSIC; AUTOSOMAL HEMOPHILIA A; Hemophilia A; Hemophilia A, congenital; HEM A; Factor 8 deficiency, congenital. Identifiers: Orphanet 98878, MedGen C0019069, MONDO:0010602, OMIM 306700.

Submissions (2):

Mayo Clinic Laboratories, Mayo Clinic
Classification: Pathogenic. Last evaluated: 2025-08-18. Review status: criteria provided, single submitter. Criteria: ACMG Guidelines, 2015. Collection method: clinical testing. Allele origin: germline. Observed: 1 variant allele.
Comment: PP3_strong, PM2_supporting, PM5, PS4

Myriad Genetics, Inc.
Classification: Likely pathogenic for Hereditary factor VIII deficiency disease. Last evaluated: 2025-05-08. Review status: criteria provided, single submitter. Criteria: Myriad Autosomal Dominant, Autosomal Recessive and X-Linked Classification Criteria (2023). Collection method: clinical testing. Allele origin: unknown.
Comment: NM_000132.3(F8):c.6506G>T(R2169L) is a missense variant classified as likely pathogenic in the context of hemophilia A. R2169L has been observed in cases with relevant disease (PMID: 16972227, 18217193, 23711237, 29296726). Relevant functional assessments of this variant are not available in the literature. R2169L has not been observed in referenced population frequency databases. In summary, NM_000132.3(F8):c.6506G>T(R2169L) is a missense variant that has been observed more frequently in cases with the relevant disease than in healthy populations. Please note: this variant was assessed in the context of healthy population screening.

Literature cited by the submitters: PubMed 29296726 (cited by Mayo Clinic Laboratories, Mayo Clinic and Myriad Genetics, Inc.); PubMed 16972227 (cited by Myriad Genetics, Inc.); PubMed 18217193 (cited by Myriad Genetics, Inc.); PubMed 23711237 (cited by Myriad Genetics, Inc.).

NM_000132.4(F8):c.6506G>T (p.Arg2169Leu)

Gene: F8 (coagulation factor VIII; minus strand). Cytogenetic location: Xq28.
Variant type: single nucleotide variant.
Coding change: c.6506G>T on transcript NM_000132.4 (MANE Select); coding-DNA position 6506, G replaced by T.
Protein change: p.Arg2169Leu; replaces arginine 2169 with leucine.
Molecular consequence: missense variant.
Genome position (GRCh38, 1-based): chrX:154,863,151, C>A on the plus strand (G>T on the coding strand, the complement: F8 is on the minus strand). VCF-style: chrX-154863151-C-A. GRCh37 (hg19) VCF-style: chrX-154091426-C-A.
Other names: p.Arg2169Leu; c.6506G>T (NM_000132.3); c.101G>T, p.Arg34Leu (NM_019863.3); short protein forms R2169L, R34L.
Identifiers: ClinVar variation 4081672 (VCV004081672.2).
Genomic context (GRCh38, chrX:154,863,151, plus strand): 5'-TCACAGCCCATCAACTCCATGCGAAGAGTGCTGCGAATGCTATAATGAGTTGGGTGCAAA[C>A]GGATGTATCGAGCAATAATTGGAGGGTTAAAAATATTGTGTTTTATCCCAGATGAATCCA-3'
Protein context (NP_000123.1, residues 2159-2179): FNPPIIARYI[Arg2169Leu]LHPTHYSIRS